The following is an entry in ClinVar:

ClinVar aggregate classification (germline): Uncertain significance (1 of 4 stars; one submission).

Conditions:
Familial cancer of breast. Also called: hereditary breast carcinoma; Hereditary breast cancer; BREAST CANCER, FAMILIAL. Identifiers: Orphanet 227535, MedGen C0346153, MONDO:0016419, OMIM 114480. Disease mechanism: loss of function.

Submission:

Labcorp Genetics (formerly Invitae), Labcorp
Classification: Uncertain significance for Familial cancer of breast. Last evaluated: 2023-05-16. Review status: criteria provided, single submitter. Criteria: Invitae Variant Classification Sherloc (09022015). Collection method: clinical testing. Allele origin: germline.
Comment: This variant has not been reported in the literature in individuals affected with BARD1-related conditions. In summary, the available evidence is currently insufficient to determine the role of this variant in disease. Therefore, it has been classified as a Variant of Uncertain Significance. An algorithm developed to predict the effect of missense changes on protein structure and function (PolyPhen-2) suggests that this variant is likely to be tolerated. This variant is not present in population databases (gnomAD no frequency). This sequence change replaces leucine, which is neutral and non-polar, with isoleucine, which is neutral and non-polar, at codon 399 of the BARD1 protein (p.Leu399Ile).

NM_000465.4(BARD1):c.1195T>A (p.Leu399Ile)

Gene: BARD1 (BRCA1 associated RING domain 1; minus strand). Cytogenetic location: 2q35.
Variant type: single nucleotide variant.
Coding change: c.1195T>A on transcript NM_000465.4 (MANE Select); coding-DNA position 1195, T replaced by A.
Protein change: p.Leu399Ile; replaces leucine 399 with isoleucine.
Molecular consequence: missense variant. On other transcripts: non-coding transcript variant (2), intron variant (3).
Genome position (GRCh38, 1-based): chr2:214,780,679, A>T on the plus strand (T>A on the coding strand, the complement: BARD1 is on the minus strand). VCF-style: chr2-214780679-A-T. GRCh37 (hg19) VCF-style: chr2-215645403-A-T.
Other names: c.1138T>A, p.Leu380Ile (NM_001282543.2); c.159-28124T>A (NM_001282548.2); c.215+16382T>A (NM_001282545.2); c.364+11618T>A (NM_001282549.2); short protein forms L380I, L399I.
Identifiers: ClinVar variation 3010787 (VCV003010787.3), dbSNP rs201729742, ClinGen allele CA350453785.